The following is an entry in ClinVar:

ClinVar aggregate classification (germline): Pathogenic/Likely pathogenic. Review status: criteria provided, multiple submitters, no conflicts (2 of 4 stars). 2 submissions from 2 submitters: Pathogenic (1); Likely pathogenic (1). Last evaluated 2017-09-20.

Conditions:
Congenital adrenal hypoplasia, X-linked (AHC). Also called: Isolated X-Linked Adrenal Hypoplasia Congenita; X-linked AHC; ADRENAL HYPOPLASIA, CONGENITAL, WITH HYPOGONADOTROPIC HYPOGONADISM; X-Linked Adrenal Hypoplasia Congenita. Identifiers: Orphanet 95702, MedGen C0342482, MONDO:0010264, OMIM 300200. Disease mechanism: loss of function.

Submissions (2):

Institute of Human Genetics Munich, TUM University Hospital
Classification: Pathogenic for Congenital adrenal hypoplasia, X-linked. Last evaluated: 2017-09-20. Review status: criteria provided, single submitter. Criteria: Classification criteria August 2017. Collection method: clinical testing. Allele origin: germline. Inheritance: X-linked recessive inheritance. Affected: yes. Observed: 1 hemizygote.

Women's Health and Genetics/Laboratory Corporation of America, LabCorp
Classification: Likely pathogenic for X-linked Adrenal Hypoplasia Congenita. Last evaluated: 2011-08-18. Review status: criteria provided, single submitter. Criteria: LabCorp Variant Classification Summary - May 2015. Collection method: curation, clinical testing. Allele origin: germline. Inheritance: Xlinked unknown. Affected: yes.
ClinVar note: Converted during submission from likely pathogenic to Likely pathogenic.

NM_000475.5(NR0B1):c.1141C>T (p.Leu381Phe)

Gene: NR0B1 (nuclear receptor subfamily 0 group B member 1; minus strand). Cytogenetic location: Xp21.2.
Variant type: single nucleotide variant.
Coding change: c.1141C>T on transcript NM_000475.5 (MANE Select); coding-DNA position 1141, C replaced by T.
Protein change: p.Leu381Phe; replaces leucine 381 with phenylalanine.
Molecular consequence: missense variant.
Genome position (GRCh38, 1-based): chrX:30,308,223, G>A on the plus strand (C>T on the coding strand, the complement: NR0B1 is on the minus strand). VCF-style: chrX-30308223-G-A. GRCh37 (hg19) VCF-style: chrX-30326340-G-A.
Other names: short protein forms L381F.
Identifiers: ClinVar variation 36665 (VCV000036665.6), dbSNP rs386134263, ClinGen allele CA260499.